The following is an entry in ClinVar:

NM_002474.3(MYH11):c.2072A>G (p.Asp691Gly)

Gene: MYH11 (myosin heavy chain 11; minus strand). Cytogenetic location: 16p13.11.
Variant type: single nucleotide variant.
Coding change: c.2072A>G on transcript NM_002474.3 (MANE Select); coding-DNA position 2072, A replaced by G.
Protein change: p.Asp691Gly; replaces aspartic acid 691 with glycine.
Molecular consequence: missense variant.
Genome position (GRCh38, 1-based): chr16:15,748,155, T>C on the plus strand (A>G on the coding strand, the complement: MYH11 is on the minus strand). VCF-style: chr16-15748155-T-C. GRCh37 (hg19) VCF-style: chr16-15842012-T-C.
Other names: c.2093A>G, p.Asp698Gly (NM_001040113.2, NM_001040114.2); c.2072A>G, p.Asp691Gly (NM_022844.3); short protein forms D691G, D698G.
Identifiers: ClinVar variation 3222371 (VCV003222371.1), dbSNP rs2506275030, ClinGen allele CA394868276.
Genomic context (GRCh38, chr16:15,748,155, plus strand): 5'-CAGATGCGAATGCCTTCCAGCACCCCATTGCACCGCAGCTGCTCCAGCACCAGGAACGCA[T>C]CCAGCTTGCCGGACTGCAAAGGTCAAAGAGGGCAGTGGATCCCTGGGGCCAGAAACCATG-3'
Protein context (NP_002465.1, residues 681-701): PNHEKRSGKL[Asp691Gly]AFLVLEQLRC

ClinVar aggregate classification (germline): Uncertain significance (1 of 4 stars; one submission).

Conditions:
Familial thoracic aortic aneurysm and aortic dissection (TAAD). Also called: Thoracic aortic aneurysms and dissections. Identifiers: Orphanet 91387, MedGen C4707243, MONDO:0019625.

Submission:

Ambry Genetics
Classification: Uncertain significance for Familial thoracic aortic aneurysm and aortic dissection. Last evaluated: 2024-01-11. Review status: criteria provided, single submitter. Criteria: Ambry Variant Classification Scheme 2023. Collection method: clinical testing. Allele origin: germline.
Comment: The p.D691G variant (also known as c.2072A>G), located in coding exon 16 of the MYH11 gene, results from an A to G substitution at nucleotide position 2072. The aspartic acid at codon 691 is replaced by glycine, an amino acid with similar properties. This amino acid position is conserved. In addition, this alteration is predicted to be deleterious by in silico analysis. Since supporting evidence is limited at this time, the clinical significance of this alteration remains unclear.